The following is an entry in ClinVar:

ClinVar aggregate classification (germline): Uncertain significance (1 of 4 stars; one submission).

Allele frequency attached by ClinVar (database versions not stated): gnomAD exomes below 0.00001; ExAC 0.00001.

Submission:

Labcorp Genetics (formerly Invitae), Labcorp
Classification: Uncertain significance. Last evaluated: 2022-09-20. Review status: criteria provided, single submitter. Criteria: Invitae Variant Classification Sherloc (09022015). Collection method: clinical testing. Allele origin: germline.
Comment: In summary, the available evidence is currently insufficient to determine the role of this variant in disease. Therefore, it has been classified as a Variant of Uncertain Significance. This variant has not been reported in the literature in individuals affected with NFE2L2-related conditions. This variant is present in population databases (rs774066059, gnomAD 0.0009%). This sequence change creates a premature translational stop signal (p.Asp444Glufs*27) in the NFE2L2 gene. While this is not anticipated to result in nonsense mediated decay, it is expected to disrupt the last 162 amino acid(s) of the NFE2L2 protein.

NM_006164.5(NFE2L2):c.1332del (p.Asp444fs)

Gene: NFE2L2 (NFE2 like bZIP transcription factor 2; minus strand). Cytogenetic location: 2q31.2.
Variant type: Deletion.
Coding change: c.1332del on transcript NM_006164.5 (MANE Select); coding-DNA position 1332, one base deleted (C; older notation c.1332delC).
Protein change: p.Asp444fs; shifts the reading frame from aspartic acid 444.
Molecular consequence: frameshift variant.
Genome position (GRCh38, 1-based): chr2:177,231,271, G deleted on the plus strand (C on the coding strand, the reverse complement: NFE2L2 is on the minus strand). VCF-style (leftmost placement, unchanged base first): chr2-177231270-TG-T. GRCh37 (hg19) VCF-style: chr2-178095998-TG-T.
Other names: c.1284del, p.Asp428fs (NM_001145412.3, NM_001313900.1, NM_001313901.1); c.1263del, p.Asp421fs (NM_001145413.3); c.1242del, p.Asp414fs (NM_001313902.2); c.1113del, p.Asp371fs (NM_001313903.2); c.1032del, p.Asp344fs (NM_001313904.1); short protein forms D344fs, D414fs, D421fs, D444fs, D371fs, D428fs.
Identifiers: ClinVar variation 2031491 (VCV002031491.4), dbSNP rs774066059, ClinGen allele CA1979698.